The following is an entry in ClinVar:

ClinVar aggregate classification (germline): Uncertain significance. Review status: criteria provided, multiple submitters, no conflicts (2 of 4 stars). 2 submissions from 2 submitters: Uncertain significance (2). Last evaluated 2026-05-25.

Conditions:
FHOD3-related disorder. Also called: FHOD3-related condition.
Inborn genetic diseases. Identifiers: MedGen C0950123, MeSH D030342.

Allele frequency attached by ClinVar (database versions not stated): TOPMed below 0.00001; gnomAD 0.00003; gnomAD exomes 0.00003.

Submissions (2):

PreventionGenetics, part of Exact Sciences
Classification: Uncertain significance for FHOD3-related condition. Last evaluated: 2026-05-25. Review status: criteria provided, single submitter. Criteria: ACMG Guidelines, 2015. Collection method: clinical testing. Allele origin: germline.
Comment: The FHOD3 c.877G>A variant is predicted to result in the amino acid substitution p.Gly293Ser. To our knowledge, this variant has not been reported in the literature. This variant is reported in 0.0040% of alleles in individuals of African descent in gnomAD. At this time, the clinical significance of this variant is uncertain due to the absence of conclusive functional and genetic evidence.

Ambry Genetics
Classification: Uncertain significance for Inborn genetic diseases. Last evaluated: 2022-11-10. Review status: criteria provided, single submitter. Criteria: Ambry Variant Classification Scheme 2023. Collection method: clinical testing. Allele origin: germline.

NM_001281740.3(FHOD3):c.877G>A (p.Gly293Ser)

Gene: FHOD3 (formin homology 2 domain containing 3; plus strand). Cytogenetic location: 18q12.2.
Variant type: single nucleotide variant.
Coding change: c.877G>A on transcript NM_001281740.3 (MANE Select); coding-DNA position 877, G replaced by A.
Protein change: p.Gly293Ser; replaces glycine 293 with serine.
Molecular consequence: missense variant.
Genome position (GRCh38, 1-based): chr18:36,612,015, G>A. VCF-style: chr18-36612015-G-A. GRCh37 (hg19) VCF-style: chr18-34191978-G-A.
Other names: c.877G>A, p.Gly293Ser (NM_001281739.3, NM_025135.5); c.877G>A (NM_001281740.2); short protein forms G293S.
Identifiers: ClinVar variation 2367398 (VCV002367398.3), dbSNP rs1174816975, ClinGen allele CA402293167.